The following is an entry in ClinVar:

NM_004991.4(MECOM):c.2563T>A (p.Leu855Met)

Gene: MECOM (MDS1 and EVI1 complex locus; minus strand). Cytogenetic location: 3q26.2.
Variant type: single nucleotide variant.
Coding change: c.2563T>A on transcript NM_004991.4 (MANE Select); coding-DNA position 2563, T replaced by A.
Protein change: p.Leu855Met; replaces leucine 855 with methionine.
Molecular consequence: missense variant.
Genome position (GRCh38, 1-based): chr3:169,112,801, A>T on the plus strand (T>A on the coding strand, the complement: MECOM is on the minus strand). VCF-style: chr3-169112801-A-T. GRCh37 (hg19) VCF-style: chr3-168830589-A-T.
Other names: c.2194T>A, p.Leu732Met (NM_001105077.4); c.1999T>A, p.Leu667Met (NM_001105078.4, NM_001164000.2, NM_001205194.2 and 4 more transcripts); c.2002T>A, p.Leu668Met (NM_001163999.2, NM_001366467.2, NM_001366468.2 and 1 more transcripts); c.2563T>A, p.Leu855Met (NM_001366466.2); c.1591T>A, p.Leu531Met (NM_001366473.2); c.1027T>A, p.Leu343Met (NM_001366474.2); short protein forms L531M, L668M, L667M, L855M, L343M, L732M.
Identifiers: ClinVar variation 4624675 (VCV004624675.1).
Genomic context (GRCh38, chr3:169,112,801, plus strand): 5'-AACAAGTTAGTTTACAAGCTGGAAATCTCAAATCCAAAATACTTACTTGTGGGTGAAACA[A>T]GAATCCTGGAGAAGGCCTCAAGTATTTCTCTTTTAAAGCTTCAAGTGGGTCAGTTAGTTT-3'
Protein context (NP_004982.2, residues 845-865): EKYLRPSPGF[Leu855Met]FHPQFQLPDQ

ClinVar aggregate classification (germline): Uncertain significance (1 of 4 stars; one submission).

Conditions:
Inborn genetic diseases. Identifiers: MedGen C0950123, MeSH D030342.

Submission:

Ambry Genetics
Classification: Uncertain significance for Inborn genetic diseases. Last evaluated: 2025-10-30. Review status: criteria provided, single submitter. Criteria: Ambry Variant Classification Scheme 2023. Collection method: clinical testing. Allele origin: germline.
Comment: The p.L855M variant (also known as c.2563T>A), located in coding exon 9 of the MECOM gene, results from a T to A substitution at nucleotide position 2563. The leucine at codon 855 is replaced by methionine, an amino acid with highly similar properties. This amino acid position is conserved. In addition, this alteration is predicted to be tolerated by in silico analysis. Based on the available evidence, the clinical significance of this variant remains unclear.